The following is an entry in ClinVar:

ClinVar aggregate classification (germline): Uncertain significance. Review status: criteria provided, multiple submitters, no conflicts (2 of 4 stars). 3 submissions from 3 submitters: Uncertain significance (3). Last evaluated 2025-11-17.

Conditions:
Arrhythmogenic right ventricular dysplasia 11. Also called: ARRHYTHMOGENIC RIGHT VENTRICULAR DYSPLASIA, FAMILIAL, 11; Arrhythmogenic right ventricular dysplasia 11 with mild palmoplantar keratoderma and woolly hair; Arrhythmogenic Right Ventricular Dysplasia/Cardiomyopathy11. Identifiers: MedGen C1864850, MONDO:0012506, OMIM 610476.

Submissions (3):

Helix
Classification: Uncertain significance for Arrhythmogenic right ventricular dysplasia 11. Last evaluated: 2025-11-17. Review status: criteria provided, single submitter. Criteria: ACMG Guidelines, 2015. Collection method: clinical testing. Allele origin: germline. Inheritance: Autosomal dominant inheritance.
Comment: This variant (NM_024422.6:c.2059G>C p.Gly687Arg) results in the substitution of glycine with arginine at codon 687 in the DSC2 protein. It is a rare variant that is absent from the large gnomAD population database (v4.1). To our knowledge, this variant has not been reported in individuals with DSC2-related conditions in the published literature. In silico prediction from REVEL (PMID: 27666373) suggests that this variant may be benign. This variant is present in ClinVar (Variation ID: 505392). In conclusion, since the available evidence is limited, the clinical significance of this variant is unclear at this time. Therefore, it is classified as a Variant of Uncertain Significance.

Labcorp Genetics (formerly Invitae), Labcorp
Classification: Uncertain significance for Arrhythmogenic right ventricular dysplasia 11. Last evaluated: 2021-11-09. Review status: criteria provided, single submitter. Criteria: Invitae Variant Classification Sherloc (09022015). Collection method: clinical testing. Allele origin: germline.
Comment: This sequence change replaces glycine, which is neutral and non-polar, with arginine, which is basic and polar, at codon 687 of the DSC2 protein (p.Gly687Arg). This variant is not present in population databases (gnomAD no frequency). This variant has not been reported in the literature in individuals affected with DSC2-related conditions. ClinVar contains an entry for this variant (Variation ID: 505392). Algorithms developed to predict the effect of missense changes on protein structure and function (SIFT, PolyPhen-2, Align-GVGD) all suggest that this variant is likely to be tolerated. In summary, the available evidence is currently insufficient to determine the role of this variant in disease. Therefore, it has been classified as a Variant of Uncertain Significance.

Laboratory for Molecular Medicine, Mass General Brigham Personalized Medicine
Classification: Uncertain significance. Last evaluated: 2016-10-25. Review status: criteria provided, single submitter. Criteria: LMM Criteria. Collection method: clinical testing. Allele origin: germline. Observed: 2 variant alleles.
Comment: The p.Gly687Arg variant in DSC2 has not been previously reported in individuals with cardiomyopathy or in large population studies. Glycine (Gly) at position 68 7 is not conserved in mammals or evolutionarily distant species, raising the pos sibility that a change at this position may be tolerated. Additional computation al prediction tools suggest that the p.Gly687Arg variant may not impact the prot ein, though this information is not predictive enough to rule out pathogenicity. In summary, the clinical significance of the p.Gly687Arg variant is uncertain.

NM_024422.6(DSC2):c.2059G>C (p.Gly687Arg)

Gene: DSC2 (desmocollin 2; minus strand). Cytogenetic location: 18q12.1.
Variant type: single nucleotide variant.
Coding change: c.2059G>C on transcript NM_024422.6 (MANE Select); coding-DNA position 2059, G replaced by C.
Protein change: p.Gly687Arg; replaces glycine 687 with arginine.
Molecular consequence: missense variant.
Genome position (GRCh38, 1-based): chr18:31,071,671, C>G on the plus strand (G>C on the coding strand, the complement: DSC2 is on the minus strand). VCF-style: chr18-31071671-C-G. GRCh37 (hg19) VCF-style: chr18-28651637-C-G.
Other names: c.2059G>C, p.Gly687Arg (NM_004949.5); short protein forms G687R.
Identifiers: ClinVar variation 505392 (VCV000505392.10), dbSNP rs199616533, ClinGen allele CA402112941.